The following is an entry in ClinVar:

ClinVar aggregate classification (germline): Benign (1 of 4 stars; one submission).

Conditions:
Polycystic liver disease 2 (PCLD2). Also called: Polycystic liver disease 2 with or without kidney cysts. Identifiers: Orphanet 2924, MedGen C4310769, MONDO:0014860, OMIM 617004.

Allele frequency attached by ClinVar (database versions not stated): 1000 Genomes Project 30x 0.00640; TOPMed 0.00760; gnomAD 0.00681 and 0.00730; 1000 Genomes Project 0.00719.

Submission:

Illumina Laboratory Services, Illumina
Classification: Benign for Polycystic liver disease 2. Last evaluated: 2018-01-13. Review status: criteria provided, single submitter. Criteria: ICSL Variant Classification Criteria 13 December 2019. Collection method: clinical testing. Allele origin: germline.
Comment: This variant was observed in the ICSL laboratory as part of a predisposition screen in an ostensibly healthy population. It had not been previously curated by ICSL or reported in the Human Gene Mutation Database (HGMD: prior to June 1st, 2018), and was therefore a candidate for classification through an automated scoring system. Utilizing variant allele frequency, disease prevalence and penetrance estimates, and inheritance mode, an automated score was calculated to assess if this variant is too frequent to cause the disease. Based on the score and internal cut-off values, a variant classified as benign is not then subjected to further curation. The score for this variant resulted in a classification of benign for this disease.

NM_007214.5(SEC63):c.*3128G>A

Gene: SEC63 (SEC63 homolog, protein translocation regulator; minus strand). Cytogenetic location: 6q21.
Variant type: single nucleotide variant.
Coding change: c.*3128G>A on transcript NM_007214.5 (MANE Select); 3128 bases downstream of the stop codon, G replaced by A.
Molecular consequence: 3 prime UTR variant.
Genome position (GRCh38, 1-based): chr6:107,868,576, C>T on the plus strand (G>A on the coding strand, the complement: SEC63 is on the minus strand). VCF-style: chr6-107868576-C-T. GRCh37 (hg19) VCF-style: chr6-108189780-C-T.
Identifiers: ClinVar variation 354831 (VCV000354831.5), dbSNP rs114322175, ClinGen allele CA10625575.
Genomic context (GRCh38, chr6:107,868,576, plus strand): 5'-TTGCAGTGAGCTGAGATCGTGCCACTGCACTCCTCCAGCCTGGAGGACAGAGCGAGACTC[C>T]GTCTTAAGAAGAAAAAGAGAAAGAGAGAAAAAAAGGCCAGCAAAATAAACAGCTAGCCCC-3'